The following is an entry in ClinVar:

ClinVar aggregate classification (germline): Uncertain significance (1 of 4 stars; one submission).

Conditions:
Meckel-Gruber syndrome. Also called: DYSENCEPHALIA SPLANCHNOCYSTICA; GRUBER SYNDROME; Dysencephalia splachnocystica. Identifiers: Orphanet 564, MedGen C0265215, MONDO:0018921.
Joubert syndrome. Also called: CEREBELLOPARENCHYMAL DISORDER IV; JOUBERT-BOLTSHAUSER SYNDROME; Familial aplasia of the vermis. Identifiers: Orphanet 475, MedGen C5979921, MONDO:0018772.

Submission:

Labcorp Genetics (formerly Invitae), Labcorp
Classification: Uncertain significance for Joubert syndrome; Meckel-Gruber syndrome. Last evaluated: 2019-07-06. Review status: criteria provided, single submitter. Criteria: Invitae Variant Classification Sherloc (09022015). Collection method: clinical testing. Allele origin: germline.
Comment: In summary, the available evidence is currently insufficient to determine the role of this variant in disease. Therefore, it has been classified as a Variant of Uncertain Significance. This variant has not been reported in the literature in individuals with TCTN2-related conditions. This variant results in a copy number gain of the genomic region encompassing exons 9 - 18 of the TCTN2 gene. The 5' boundary is likely confined to intron 8. The 3' end of this event is unknown as it extends beyond the assayed region for this gene and therefore may encompass additional genes. As the precise location of this event is unknown, it may be in tandem or it may be located elsewhere in the genome.

NC_000012.12:g.(?_123692638)_(123707733_?)dup

Gene: TCTN2 (tectonic family member 2; plus strand). Cytogenetic location: 12q24.31.
Variant type: Duplication.
Identifiers: ClinVar variation 831648 (VCV000831648.7).